The following is an entry in ClinVar:

NM_000212.3(ITGB3):c.565C>T (p.Pro189Ser)

Gene: ITGB3 (integrin subunit beta 3; plus strand). Cytogenetic location: 17q21.32.
Variant type: single nucleotide variant.
Coding change: c.565C>T on transcript NM_000212.3 (MANE Select); coding-DNA position 565, C replaced by T.
Protein change: p.Pro189Ser; replaces proline 189 with serine.
Molecular consequence: missense variant.
Genome position (GRCh38, 1-based): chr17:47,284,646, C>T. VCF-style: chr17-47284646-C-T. GRCh37 (hg19) VCF-style: chr17-45362012-C-T.
Other names: short protein forms P189S.
Identifiers: ClinVar variation 812736 (VCV000812736.10), dbSNP rs958609406, ClinGen allele CA291224669.
Genomic context (GRCh38, chr17:47,284,646, plus strand): 5'-CGAAAGCTCACCAGTAACCTGCGGATTGGCTTCGGGGCATTTGTGGACAAGCCTGTGTCA[C>T]CATACATGTATATCTCCCCACCAGAGGCCCTCGAAAACCCCTGCTATGAGTAAGTCCCTC-3'
Protein context (NP_000203.2, residues 179-199): FGAFVDKPVS[Pro189Ser]YMYISPPEAL

ClinVar aggregate classification (germline): Pathogenic. Review status: reviewed by expert panel (3 of 4 stars). 5 submissions from 5 submitters: Pathogenic (1). 4 of the submissions do not count toward it. Last evaluated 2020-09-06.

Conditions:
Myocardial infarction, susceptibility to. Identifiers: MedGen C1832662, MONDO:0012039, OMIM 608446.
Glanzmann thrombasthenia 2. Also called: BLEEDING DISORDER, PLATELET-TYPE, 23. Identifiers: MedGen C5543273, MONDO:0031009, OMIM 619267.
Bleeding disorder, platelet-type, 24. Also called: GLANZMANN THROMBASTHENIA-LIKE WITH MACROTHROMBOCYTOPENIA 2. Identifiers: MedGen C5543280, MONDO:0030996, OMIM 619271.
Glanzmann thrombasthenia. Also called: BLEEDING DISORDER, PLATELET-TYPE, 2; THROMBASTHENIA OF GLANZMANN AND NAEGELI; Thrombasthenia; Glanzmann's thrombasthenia; PLATELET GLYCOPROTEIN IIb-IIIa DEFICIENCY. Identifiers: Orphanet 849, MedGen C0040015, MONDO:0100326.

Allele frequency attached by ClinVar (database versions not stated): gnomAD 0.00001; gnomAD exomes 0.00001 and 0.00004; TOPMed 0.00002.
gnomAD v4.1: 53 of 1,614,024 alleles (0.0033%); highest among the groups gnomAD compares: Non-Finnish European, 0.0045%; no homozygotes.

Submissions (5):

ClinGen Platelet Disorders Variant Curation Expert Panel, ClinGen
Classification: Pathogenic for Glanzmann thrombasthenia. Last evaluated: 2020-09-06. Review status: reviewed by expert panel. Criteria: ClinGen Platelet ACMG Specifications v2. Collection method: curation. Allele origin: germline. Inheritance: Autosomal recessive inheritance.
Comment: The NM_000212.2:c.565C>T (p.Pro189Ser) missense variant has been reported in at least three homozygotes and two compound heterozygous probands with phenotypes highly specific to GT (PMIDs: 31565851, 25728920, 24236036, 22250950). The variant has been shown to segregate in at least one family with two affected individuals (PMID: 31565851). This variant is at an extremely low frequency with a MAF of 0.00002638 in the South Asian population of gnomAD and multiple lines of computational evidence support a deleterious effect on the gene /gene product (REVEL score of 0.976). Pro189Ser has been expressed in CHO cells and found to have a 94% reduction in surface expression (PMID: 24236036). In summary, based on the available evidence at this time, the variant is classified as Pathogenic. GT-specific criteria applied: PS3_Moderate, PM2_Supporting, PM3_Strong, PP1, PP3, PP4_Strong.

Fulgent Genetics
Classification: Pathogenic for Myocardial infarction, susceptibility to; Glanzmann thrombasthenia 2; Bleeding disorder, platelet-type, 24. Last evaluated: 2024-05-15. Review status: criteria provided, single submitter. Criteria: ACMG Guidelines, 2015. Collection method: clinical testing. Allele origin: germline. Not counted in ClinVar's aggregate classification.

Women's Health and Genetics/Laboratory Corporation of America, LabCorp
Classification: Pathogenic for Glanzmann thrombasthenia 2. Last evaluated: 2024-05-03. Review status: criteria provided, single submitter. Criteria: LabCorp Variant Classification Summary - May 2015. Collection method: clinical testing. Allele origin: germline. Not counted in ClinVar's aggregate classification.
Comment: Variant summary: ITGB3 c.565C>T (p.Pro189Ser) results in a non-conservative amino acid change located in the Integrin beta subunit, VWA domain (IPR002369) of the encoded protein sequence. Five of five in-silico tools predict a damaging effect of the variant on protein function. The variant allele was found at a frequency of 1.2e-05 in 251434 control chromosomes (gnomAD). c.565C>T has been reported in the literature in several individuals affected with Glanzmann Thrombasthenia in either the homozygous state or in the compound heterozygous state with pathogenic variants (e.g. Fiore_2012, Laguerre_2013, Nurden_2015, Guillet_2019). These data indicate that the variant is very likely to be associated with disease. At least one publication reports experimental evidence evaluating an impact on protein function, finding that the variant results in a loss of integrin alphaIIb/beta3 cell surface expression (Laguerre_2013). The following publications have been ascertained in the context of this evaluation (PMID: 22250950, 24236036, 25728920, 31565851). ClinVar contains an entry for this variant (Variation ID: 812736). Based on the evidence outlined above, the variant was classified as pathogenic.

Labcorp Genetics (formerly Invitae), Labcorp
Classification: Pathogenic. Last evaluated: 2023-08-29. Review status: criteria provided, single submitter. Criteria: Invitae Variant Classification Sherloc (09022015). Collection method: clinical testing. Allele origin: germline. Not counted in ClinVar's aggregate classification.
Comment: For these reasons, this variant has been classified as Pathogenic. Experimental studies have shown that this missense change affects ITGB3 function (PMID: 24236036). Advanced modeling of protein sequence and biophysical properties (such as structural, functional, and spatial information, amino acid conservation, physicochemical variation, residue mobility, and thermodynamic stability) performed at Invitae indicates that this missense variant is expected to disrupt ITGB3 protein function. ClinVar contains an entry for this variant (Variation ID: 812736). This missense change has been observed in individuals with and/or clinical features of autosomal recessive Glanzmann thrombasthenia (PMID: 22250950, 24236036, 25728920, 31565851). It has also been observed to segregate with disease in related individuals. This variant is present in population databases (no rsID available, gnomAD 0.003%). This sequence change replaces proline, which is neutral and non-polar, with serine, which is neutral and polar, at codon 189 of the ITGB3 protein (p.Pro189Ser).

NIHR Bioresource Rare Diseases, University of Cambridge
Classification: Likely pathogenic for Glanzmann thrombasthenia 1. Review status: no assertion criteria provided. Collection method: research. Allele origin: unknown. Affected: yes. Observed: 1 variant allele. Not counted in ClinVar's aggregate classification.

Literature cited by the submitters: PubMed 24236036 (cited by 3 submitters); PubMed 31565851 (cited by 3 submitters); PubMed 25728920 (cited by 3 submitters); PubMed 22250950 (cited by 3 submitters); PubMed 32581362 (cited by NIHR Bioresource Rare Diseases, University of Cambridge).